The following is an entry in ClinVar:

ClinVar aggregate classification (germline): Uncertain significance (1 of 4 stars; one submission).

Submission:

Labcorp Genetics (formerly Invitae), Labcorp
Classification: Uncertain significance. Last evaluated: 2025-10-09. Review status: criteria provided, single submitter. Criteria: Invitae Variant Classification Sherloc (09022015). Collection method: clinical testing. Allele origin: germline.
Comment: This sequence change replaces tyrosine, which is neutral and polar, with asparagine, which is neutral and polar, at codon 288 of the SLCO5A1 protein (p.Tyr288Asn). This variant is not present in population databases (gnomAD no frequency). This variant has not been reported in the literature in individuals affected with SLCO5A1-related conditions. An algorithm developed to predict the effect of missense changes on protein structure and function (PolyPhen-2) suggests that this variant is likely to be disruptive. In summary, the available evidence is currently insufficient to determine the role of this variant in disease. Therefore, it has been classified as a Variant of Uncertain Significance.

NM_030958.3(SLCO5A1):c.862T>A (p.Tyr288Asn)

Gene: SLCO5A1 (solute carrier organic anion transporter family member 5A1; minus strand). Cytogenetic location: 8q13.3.
Variant type: single nucleotide variant.
Coding change: c.862T>A on transcript NM_030958.3 (MANE Select); coding-DNA position 862, T replaced by A.
Protein change: p.Tyr288Asn; replaces tyrosine 288 with asparagine.
Molecular consequence: missense variant.
Genome position (GRCh38, 1-based): chr8:69,831,812, A>T on the plus strand (T>A on the coding strand, the complement: SLCO5A1 is on the minus strand). VCF-style: chr8-69831812-A-T. GRCh37 (hg19) VCF-style: chr8-70744047-A-T.
Other names: c.862T>A, p.Tyr288Asn (NM_001146008.2, NM_001146009.1); short protein forms Y288N.
Identifiers: ClinVar variation 4728107 (VCV004728107.1).